The following is an entry in ClinVar:

ClinVar aggregate classification (germline): Uncertain significance (1 of 4 stars; one submission).

Conditions:
Duchenne muscular dystrophy (DMD). Also called: MUSCULAR DYSTROPHY, PSEUDOHYPERTROPHIC PROGRESSIVE, DUCHENNE TYPE; Duchenne Muscular Dystrophy (DMD). Identifiers: Orphanet 98896, MedGen C0013264, MONDO:0010679, OMIM 310200.

Submission:

Labcorp Genetics (formerly Invitae), Labcorp
Classification: Uncertain significance for Duchenne muscular dystrophy. Last evaluated: 2023-09-29. Review status: criteria provided, single submitter. Criteria: Invitae Variant Classification Sherloc (09022015). Collection method: clinical testing. Allele origin: unknown.
Comment: This variant results in a copy number gain of the genomic region encompassing exon(s) 52-78 of the DMD gene. While the exact position of this variant cannot be determined from the data, sub-genic copy number gains are generally in tandem (PMID: 25640679). This variant is predicted to be in-frame, and likely preserves the integrity of the reading frame. This variant has not been reported in the literature in individuals affected with DMD-related conditions. Experimental studies and prediction algorithms are not available or were not evaluated, and the functional significance of this variant is currently unknown. In summary, the available evidence is currently insufficient to determine the role of this variant in disease. Therefore, it has been classified as a Variant of Uncertain Significance.

Literature cited by the submitters: PubMed 25640679.

NC_000023.10:g.(?_31144739)_(31747885_?)dup

Gene: DMD (dystrophin; minus strand). Cytogenetic location: Xp21.2-21.1.
Variant type: Duplication.
Identifiers: ClinVar variation 3243242 (VCV003243242.1).